The following is an entry in ClinVar:

NM_007294.4(BRCA1):c.2905A>C (p.Asn969His)

Gene: BRCA1 (BRCA1 DNA repair associated; minus strand). Cytogenetic location: 17q21.31.
Variant type: single nucleotide variant.
Coding change: c.2905A>C on transcript NM_007294.4 (MANE Select); coding-DNA position 2905, A replaced by C.
Protein change: p.Asn969His; replaces asparagine 969 with histidine.
Molecular consequence: missense variant. On other transcripts: intron variant (137).
Genome position (GRCh38, 1-based): chr17:43,092,626, T>G on the plus strand (A>C on the coding strand, the complement: BRCA1 is on the minus strand). VCF-style: chr17-43092626-T-G. GRCh37 (hg19) VCF-style: chr17-41244643-T-G.
Other names: c.2692A>C, p.Asn898His (NM_001407571.1, NM_001407853.1, NM_001407894.1 and 9 more transcripts); c.2905A>C, p.Asn969His (NM_001407581.1, NM_001407582.1, NM_001407583.1 and 30 more transcripts); c.2902A>C, p.Asn968His (NM_001407587.1, NM_001407590.1, NM_001407591.1 and 22 more transcripts); c.2896A>C, p.Asn966His (NM_001407646.1, NM_001407647.1); c.2782A>C, p.Asn928His (NM_001407648.1, NM_001407664.1, NM_001407665.1 and 19 more transcripts); c.2779A>C, p.Asn927His (NM_001407649.1, NM_001407670.1, NM_001407671.1 and 11 more transcripts); c.2827A>C, p.Asn943His (NM_001407653.1, NM_001407654.1, NM_001407655.1 and 4 more transcripts); c.2824A>C, p.Asn942His (NM_001407659.1, NM_001407660.1, NM_001407661.1 and 1 more transcripts); and 41 more; short protein forms N673H, N801H, N841H, N842H, N857H, N858H, N880H, N881H.
Identifiers: ClinVar variation 4533103 (VCV004533103.1).

ClinVar aggregate classification (germline): Uncertain significance (1 of 4 stars; one submission).

Submission:

Quest Diagnostics Nichols Institute San Juan Capistrano
Classification: Uncertain significance. Last evaluated: 2025-05-12. Review status: criteria provided, single submitter. Criteria: Quest Diagnostics criteria. Collection method: clinical testing. Allele origin: unknown.
Comment: The BRCA1 c.2905A>C (p.Asn969His) variant has not been reported in individuals with BRCA1-related conditions in the published literature. It also has not been reported in large, multi-ethnic general populations (Genome Aggregation Database). Analysis of this variant using bioinformatics tools for the prediction of the effect of amino acid changes on protein structure and function yielded conflicting predictions that this variant is benign or damaging. Based on the available information, we are unable to determine the clinical significance of this variant.